The following is an entry in ClinVar:

ClinVar aggregate classification (germline): Pathogenic. Review status: criteria provided, multiple submitters, no conflicts (2 of 4 stars). 3 submissions from 3 submitters: Pathogenic (2). 1 of the submissions does not count toward it. Last evaluated 2022-09-18.

Conditions:
Spondylo-megaepiphyseal-metaphyseal dysplasia (SMMD). Identifiers: Orphanet 228387, MedGen C2750066, MONDO:0013228, OMIM 613330.

Submissions (3):

Labcorp Genetics (formerly Invitae), Labcorp
Classification: Pathogenic. Last evaluated: 2022-09-18. Review status: criteria provided, single submitter. Criteria: Invitae Variant Classification Sherloc (09022015). Collection method: clinical testing. Allele origin: germline.
Comment: This sequence change creates a premature translational stop signal (p.Ala35Glyfs*87) in the NKX3-2 gene. It is expected to result in an absent or disrupted protein product. Loss-of-function variants in NKX3-2 are known to be pathogenic (PMID: 20004766). This variant is not present in population databases (gnomAD no frequency). This premature translational stop signal has been observed in individual(s) with spondylo-megaepiphyseal-metaphyseal dysplasia (PMID: 20004766). ClinVar contains an entry for this variant (Variation ID: 7493). For these reasons, this variant has been classified as Pathogenic.

Mendelics
Classification: Pathogenic for Spondylo-megaepiphyseal-metaphyseal dysplasia. Last evaluated: 2022-05-04. Review status: criteria provided, single submitter. Criteria: Mendelics Assertion Criteria 2019. Collection method: clinical testing. Allele origin: germline.

OMIM
Classification: Pathogenic for SPONDYLO-MEGAEPIPHYSEAL-METAPHYSEAL DYSPLASIA. Last evaluated: 2009-12-01. Review status: no assertion criteria provided. Collection method: literature only. Allele origin: germline. Not counted in ClinVar's aggregate classification.

Literature cited by the submitters: PubMed 20004766 (cited by Labcorp Genetics (formerly Invitae), Labcorp and OMIM).

NM_001189.4(NKX3-2):c.104_110del (p.Ala35fs)

Gene: NKX3-2 (NK3 homeobox 2; minus strand). Cytogenetic location: 4p15.33.
Variant type: Microsatellite.
Coding change: c.104_110del on transcript NM_001189.4 (MANE Select); coding-DNA positions 104 to 110, 7 bases deleted (CGCCCGG; older notation c.104_110delCGCCCGG).
Protein change: p.Ala35fs; shifts the reading frame from alanine 35.
Molecular consequence: frameshift variant.
Genome position (GRCh38, 1-based): chr4:13,544,305-13,544,311, CCGGGCG deleted on the plus strand (CGCCCGG on the coding strand, the reverse complement: NKX3-2 is on the minus strand); deleting any 7 consecutive bases within chr4:13,544,305-13,544,320 gives the same sequence; the c. name uses the placement nearest the transcript's 3' end. VCF-style (leftmost placement, unchanged base first): chr4-13544304-CCCGGGCG-C. GRCh37 (hg19) VCF-style: chr4-13545928-CCCGGGCG-C.
Other names: short protein forms A35fs.
Identifiers: ClinVar variation 7493 (VCV000007493.6), dbSNP rs606231354, ClinGen allele CA212870.
Genomic context (GRCh38, chr4:13,544,304, plus strand): 5'-CTCCCCAAAGAGCCGCCAACAGCAGACAGCGGGAGCCGCGGCCACCGATGCCGCTGTGCC[CCCGGGCG>C]CCGGGCGCCCCTCTGGCGCGGCCAGCCCGCCGCGCTCCTCTTTCTTGTTGAGGATCGCCT-3'